The following is an entry in ClinVar:

ClinVar aggregate classification (germline): Likely benign (1 of 4 stars; one submission).

gnomAD v4.1: 873 of 1,611,392 alleles (0.054%); highest among the groups gnomAD compares: South Asian, 0.75%; 9 homozygotes.

Submission:

CeGaT Center for Human Genetics Tuebingen
Classification: Likely benign. Last evaluated: 2025-11-01. Review status: criteria provided, single submitter. Criteria: CeGaT Center For Human Genetics Tuebingen Variant Classification Criteria Version 2. Collection method: clinical testing. Allele origin: germline. Affected: yes. Observed: 1 variant allele.
Comment: CELSR1: BP4

NM_001378328.1(CELSR1):c.8819C>T (p.Thr2940Met)

Gene: CELSR1 (cadherin EGF LAG seven-pass G-type receptor 1; minus strand). Cytogenetic location: 22q13.31.
Variant type: single nucleotide variant.
Coding change: c.8819C>T on transcript NM_001378328.1 (MANE Select); coding-DNA position 8819, C replaced by T.
Protein change: p.Thr2940Met; replaces threonine 2940 with methionine.
Molecular consequence: missense variant.
Genome position (GRCh38, 1-based): chr22:46,364,212, G>A on the plus strand (C>T on the coding strand, the complement: CELSR1 is on the minus strand). VCF-style: chr22-46364212-G-A. GRCh37 (hg19) VCF-style: chr22-46760109-G-A.
Other names: c.8819C>T, p.Thr2940Met (NM_014246.4); short protein forms T2940M.
Identifiers: ClinVar variation 4533914 (VCV004533914.6).